The following is an entry in ClinVar:

NM_002900.3(RBP3):c.2816C>T (p.Thr939Met)

Gene: RBP3 (retinol binding protein 3; plus strand). Cytogenetic location: 10q11.22.
Variant type: single nucleotide variant.
Coding change: c.2816C>T on transcript NM_002900.3 (MANE Select); coding-DNA position 2816, C replaced by T.
Protein change: p.Thr939Met; replaces threonine 939 with methionine.
Molecular consequence: missense variant.
Genome position (GRCh38, 1-based): chr10:47,351,300, C>T. VCF-style: chr10-47351300-C-T. GRCh37 (hg19) VCF-style: chr10-48388062-G-A.
Other names: short protein forms T939M.
Identifiers: ClinVar variation 1492667 (VCV001492667.7), dbSNP rs201711001, ClinGen allele CA5487200.

ClinVar aggregate classification (germline): Uncertain significance (1 of 4 stars; one submission).

Allele frequency attached by ClinVar (database versions not stated): ExAC 0.00001; gnomAD exomes 0.00001; 1000 Genomes Project 30x 0.00016; 1000 Genomes Project 0.00020.
gnomAD v4.1: 9 of 1,613,478 alleles (0.00056%); highest among the groups gnomAD compares: African/African-American, 0.0067%; no homozygotes.

Submission:

Labcorp Genetics (formerly Invitae), Labcorp
Classification: Uncertain significance. Last evaluated: 2024-02-23. Review status: criteria provided, single submitter. Criteria: Invitae Variant Classification Sherloc (09022015). Collection method: clinical testing. Allele origin: germline.
Comment: This sequence change replaces threonine, which is neutral and polar, with methionine, which is neutral and non-polar, at codon 939 of the RBP3 protein (p.Thr939Met). The frequency data for this variant in the population databases is considered unreliable, as metrics indicate poor data quality at this position in the gnomAD database. This variant has not been reported in the literature in individuals affected with RBP3-related conditions. ClinVar contains an entry for this variant (Variation ID: 1492667). An algorithm developed to predict the effect of missense changes on protein structure and function (PolyPhen-2) suggests that this variant is likely to be disruptive. In summary, the available evidence is currently insufficient to determine the role of this variant in disease. Therefore, it has been classified as a Variant of Uncertain Significance.